The following is an entry in ClinVar:

ClinVar aggregate classification (germline): Likely benign (1 of 4 stars; one submission).

Conditions:
Hypertrophic cardiomyopathy. Also called: HYPERTROPHIC MYOCARDIOPATHY. Identifiers: Orphanet 217569, MedGen C0007194, MeSH D002312, MONDO:0005045, HP:0001639.

Submission:

All of Us Research Program, National Institutes of Health
Classification: Likely benign for Hypertrophic cardiomyopathy. Last evaluated: 2023-03-23. Review status: criteria provided, single submitter. Criteria: ACMG Guidelines, 2015. Collection method: clinical testing. Allele origin: germline. Inheritance: Autosomal dominant inheritance. Observed: 1 variant allele, 1 heterozygote.
Comment: This study involves interpretation of variants in research participants for the purpose of population health screening. Participant phenotype was not available at the time of variant classification. Additional details can be found in publication PMID: 35346344, PMCID: PMC8962531

NM_000363.5(TNNI3):c.556C>A (p.Arg186=)

Gene: TNNI3 (troponin I3, cardiac type; minus strand). Cytogenetic location: 19q13.42.
Variant type: single nucleotide variant.
Coding change: c.556C>A on transcript NM_000363.5 (MANE Select); coding-DNA position 556, C replaced by A.
Protein change: p.Arg186=; no amino-acid change (arginine 186 retained).
Molecular consequence: synonymous variant.
Genome position (GRCh38, 1-based): chr19:55,151,911, G>T on the plus strand (C>A on the coding strand, the complement: TNNI3 is on the minus strand). VCF-style: chr19-55151911-G-T. GRCh37 (hg19) VCF-style: chr19-55663279-G-T.
Identifiers: ClinVar variation 3069974 (VCV003069974.1), dbSNP rs760978512, ClinGen allele CA508989361.